The following is an entry in ClinVar:

NM_024529.5(CDC73):c.46A>G (p.Lys16Glu)

Gene: CDC73 (cell division cycle 73; plus strand). Cytogenetic location: 1q31.2.
Variant type: single nucleotide variant.
Coding change: c.46A>G on transcript NM_024529.5 (MANE Select); coding-DNA position 46, A replaced by G.
Protein change: p.Lys16Glu; replaces lysine 16 with glutamic acid.
Molecular consequence: missense variant.
Genome position (GRCh38, 1-based): chr1:193,122,246, A>G. VCF-style: chr1-193122246-A-G. GRCh37 (hg19) VCF-style: chr1-193091376-A-G.
Other names: short protein forms K16E.
Identifiers: ClinVar variation 1010100 (VCV001010100.9), dbSNP rs1675464429, ClinGen allele CA343972821.

ClinVar aggregate classification (germline): Uncertain significance (1 of 4 stars; one submission).

Conditions:
Parathyroid carcinoma (PRTC). Also called: Parathyroid gland carcinoma; CDC73-Related Parathyroid Carcinoma. Identifiers: Orphanet 143, MedGen C0687150, MONDO:0012004, OMIM 608266, HP:0006780.

Submission:

Labcorp Genetics (formerly Invitae), Labcorp
Classification: Uncertain significance for Parathyroid carcinoma. Last evaluated: 2020-09-24. Review status: criteria provided, single submitter. Criteria: Invitae Variant Classification Sherloc (09022015). Collection method: clinical testing. Allele origin: germline.
Comment: In summary, the available evidence is currently insufficient to determine the role of this variant in disease. Therefore, it has been classified as a Variant of Uncertain Significance. Algorithms developed to predict the effect of missense changes on protein structure and function are either unavailable or do not agree on the potential impact of this missense change (SIFT: "Tolerated"; PolyPhen-2: "Possibly Damaging"; Align-GVGD: "Class C0"). This variant has not been reported in the literature in individuals with CDC73-related conditions. This variant is not present in population databases (ExAC no frequency). This sequence change replaces lysine with glutamic acid at codon 16 of the CDC73 protein (p.Lys16Glu). The lysine residue is moderately conserved and there is a small physicochemical difference between lysine and glutamic acid.